The following is an entry in ClinVar:

ClinVar aggregate classification (germline): Uncertain significance (1 of 4 stars; one submission).

Conditions:
Tuberous sclerosis 2 (TSC2). Identifiers: Orphanet 805, MedGen C1860707, MONDO:0013199, OMIM 613254.

Submission:

Labcorp Genetics (formerly Invitae), Labcorp
Classification: Uncertain significance for Tuberous sclerosis 2. Last evaluated: 2023-01-18. Review status: criteria provided, single submitter. Criteria: Invitae Variant Classification Sherloc (09022015). Collection method: clinical testing. Allele origin: germline.
Comment: In summary, the available evidence is currently insufficient to determine the role of this variant in disease. Therefore, it has been classified as a Variant of Uncertain Significance. Advanced modeling of protein sequence and biophysical properties (such as structural, functional, and spatial information, amino acid conservation, physicochemical variation, residue mobility, and thermodynamic stability) performed at Invitae indicates that this missense variant is not expected to disrupt TSC2 protein function. This variant has not been reported in the literature in individuals affected with TSC2-related conditions. This variant is not present in population databases (gnomAD no frequency). This sequence change replaces glutamine, which is neutral and polar, with histidine, which is basic and polar, at codon 1440 of the TSC2 protein (p.Gln1440His).

NM_000548.5(TSC2):c.4320G>T (p.Gln1440His)

Gene: TSC2 (TSC complex subunit 2; plus strand). Cytogenetic location: 16p13.3.
Variant type: single nucleotide variant.
Coding change: c.4320G>T on transcript NM_000548.5 (MANE Select); coding-DNA position 4320, G replaced by T.
Protein change: p.Gln1440His; replaces glutamine 1440 with histidine.
Molecular consequence: missense variant. On other transcripts: non-coding transcript variant (5).
Genome position (GRCh38, 1-based): chr16:2,084,542, G>T. VCF-style: chr16-2084542-G-T. GRCh37 (hg19) VCF-style: chr16-2134543-G-T.
Other names: c.4119G>T, p.Gln1373His (NM_001077183.3); c.4251G>T, p.Gln1417His (NM_001114382.3); c.4011G>T, p.Gln1337His (NM_001318827.2); c.3975G>T, p.Gln1325His (NM_001318829.2); c.3588G>T, p.Gln1196His (NM_001318831.2); c.4152G>T, p.Gln1384His (NM_001318832.2); c.4122G>T, p.Gln1374His (NM_001363528.2); c.4188G>T, p.Gln1396His (NM_001370404.1); and 26 more; short protein forms Q1216H, Q1336H, Q1337H, Q1367H, Q1373H, Q1374H, Q1384H, Q1416H.
Identifiers: ClinVar variation 2829816 (VCV002829816.3), dbSNP rs2151532377, ClinGen allele CA394301324.